The following is an entry in ClinVar:

NM_032588.4(TRIM63):c.700G>A (p.Glu234Lys)

Gene: TRIM63 (tripartite motif containing 63; minus strand). Cytogenetic location: 1p36.11.
Variant type: single nucleotide variant.
Coding change: c.700G>A on transcript NM_032588.4 (MANE Select); coding-DNA position 700, G replaced by A.
Protein change: p.Glu234Lys; replaces glutamic acid 234 with lysine.
Molecular consequence: missense variant.
Genome position (GRCh38, 1-based): chr1:26,058,521, C>T on the plus strand (G>A on the coding strand, the complement: TRIM63 is on the minus strand). VCF-style: chr1-26058521-C-T. GRCh37 (hg19) VCF-style: chr1-26385012-C-T.
Other names: short protein forms E234K.
Identifiers: ClinVar variation 4688511 (VCV004688511.1).

ClinVar aggregate classification (germline): Uncertain significance (1 of 4 stars; one submission).

gnomAD v4.1: 7 of 1,614,060 alleles (0.00043%); highest among the groups gnomAD compares: Admixed American, 0.0083%; no homozygotes.

Submission:

Women's Health and Genetics/Laboratory Corporation of America, LabCorp
Classification: Uncertain significance. Last evaluated: 2025-12-08. Review status: criteria provided, single submitter. Criteria: LabCorp Variant Classification Summary - May 2015. Collection method: clinical testing. Allele origin: germline.
Comment: Variant summary: TRIM63 c.700G>A (p.Glu234Lys) results in a conservative amino acid change in the encoded protein sequence. Algorithms developed to predict the effect of missense changes on protein structure and function are either unavailable or do not agree on the potential impact of this missense change. The variant allele was found at a frequency of 2e-05 in 251474 control chromosomes. The available data on variant occurrences in the general population are insufficient to allow any conclusion about variant significance. To our knowledge, no occurrence of c.700G>A in individuals affected with TRIM63-related conditions and no experimental evidence demonstrating its impact on protein function have been reported. No submitters have cited clinical-significance assessments for this variant to ClinVar. Based on the evidence outlined above, the variant was classified as uncertain significance.